The following is an entry in ClinVar:

NM_001270.4(CHD1):c.1264A>T (p.Ser422Cys)

Gene: CHD1 (chromodomain helicase DNA binding protein 1; minus strand). Cytogenetic location: 5q15.
Variant type: single nucleotide variant.
Coding change: c.1264A>T on transcript NM_001270.4 (MANE Select); coding-DNA position 1264, A replaced by T.
Protein change: p.Ser422Cys; replaces serine 422 with cysteine.
Molecular consequence: missense variant. On other transcripts: non-coding transcript variant (2).
Genome position (GRCh38, 1-based): chr5:98,898,357, T>A on the plus strand (A>T on the coding strand, the complement: CHD1 is on the minus strand). VCF-style: chr5-98898357-T-A. GRCh37 (hg19) VCF-style: chr5-98234061-T-A.
Other names: c.1264A>T, p.Ser422Cys (NM_001364113.3, NM_001376194.2); short protein forms S422C.
Identifiers: ClinVar variation 5020687 (VCV005020687.1).
Genomic context (GRCh38, chr5:98,898,357, plus strand): 5'-TAAAATACTCATCAATGCATGCTTGAAACTTTTTGGAAATGAGAGCTCCATCTTCCCAGC[T>A]GCACTCTGAGTATGGAAGGCCCTGCCATTTGCAGTAATAATCAGGATAACCAGCTGCTGA-3'
Protein context (NP_001261.2, residues 412-432): KWQGLPYSEC[Ser422Cys]WEDGALISKK

ClinVar aggregate classification (germline): Uncertain significance (1 of 4 stars; one submission).

Submission:

Dasa
Classification: Uncertain significance. Last evaluated: 2026-03-23. Review status: criteria provided, single submitter. Criteria: DASA Assertion Criteria. Collection method: clinical testing. Allele origin: germline.
Comment: NM_001270.4(CHD1):c.1264A>T (p.Ser422Cys) is a missense variant that results in the substitution of serine with cysteine. This variant is rare in population databases. Computational prediction algorithms are consistent with a deleterious effect. The currently available literature and clinical evidence are not sufficient to establish a definitive association between this variant and the reported condition. Therefore, this variant is classified as a variant of uncertain significance.